The following is an entry in ClinVar:

NM_005476.7(GNE):c.1556A>G (p.Asn519Ser)

Gene: GNE (glucosamine (UDP-N-acetyl)-2-epimerase/N-acetylmannosamine kinase; minus strand). Cytogenetic location: 9p13.3.
Variant type: single nucleotide variant.
Coding change: c.1556A>G on transcript NM_005476.7 (MANE Select); coding-DNA position 1556, A replaced by G.
Protein change: p.Asn519Ser; replaces asparagine 519 with serine.
Molecular consequence: missense variant. On other transcripts: intron variant (1).
Genome position (GRCh38, 1-based): chr9:36,222,854, T>C on the plus strand (A>G on the coding strand, the complement: GNE is on the minus strand). VCF-style: chr9-36222854-T-C. GRCh37 (hg19) VCF-style: chr9-36222851-T-C.
Other names: c.1649A>G, p.Asn550Ser (NM_001128227.3); c.1226A>G, p.Asn409Ser (NM_001190384.3); c.1379A>G, p.Asn460Ser (NM_001190388.2, NM_001374798.1); c.1403A>G, p.Asn468Ser (NM_001374797.1); c.1411+519A>G (NM_001190383.3); short protein forms N519S, N550S, N409S, N460S, N468S.
Identifiers: ClinVar variation 556674 (VCV000556674.8), dbSNP rs1554658910, ClinGen allele CA373426330.

ClinVar aggregate classification (germline): Pathogenic/Likely pathogenic. Review status: criteria provided, multiple submitters, no conflicts (2 of 4 stars). 5 submissions from 5 submitters: Pathogenic (1); Likely pathogenic (3). 1 of the submissions does not count toward it. Last evaluated 2025-07-29.

Conditions:
GNE myopathy (NM). Also called: NONAKA DISTAL MYOPATHY; INCLUSION BODY MYOPATHY, HEREDITARY, AUTOSOMAL RECESSIVE; INCLUSION BODY MYOPATHY 2, AUTOSOMAL RECESSIVE; MYOPATHY, DISTAL, WITH OR WITHOUT RIMMED VACUOLES; IBM 2; Inclusion body myopathy autosomal recessive. Identifiers: Orphanet 602, MedGen C1853926, MONDO:0011603, OMIM 605820.
Sialuria. Also called: SIALURIA, FRENCH TYPE; Sialic Acid Storage Disease. Identifiers: Orphanet 3166, MedGen C0342853, MONDO:0010028, OMIM 269921.
Thrombocytopenia 12 with or without myopathy (THC12). Identifiers: MedGen C5935593, MONDO:0958325, OMIM 620757.

Allele frequency attached by ClinVar (database versions not stated): gnomAD exomes below 0.00001.
gnomAD v4.1: 1 of 1,614,170 alleles (0.000062%); highest among the groups gnomAD compares: Non-Finnish European, 0.000085%; no homozygotes.

Submissions (5):

Natera, Inc.
Classification: Likely pathogenic for Nonaka myopathy. Last evaluated: 2025-07-29. Review status: criteria provided, single submitter. Criteria: Natera Variant Classification Schema (03/2026). Collection method: clinical testing. Allele origin: germline.
Comment: The c.1649A>G variant in GNE is a missense variant predicted to cause substitution of asparagine to serine at amino acid 550. This variant is rare in the general population with a frequency below the threshold expected for the associated phenotype(s). This variant has been observed in one or more individuals affected with the associated recessive disease, as either homozygous or compound heterozygous with a second variant (PMID: 15146476, 25978849). Additionally, this variant has been observed to segregate in affected family members (PMID: 15146476, 25978849). This variant has been identified in one or more affected individuals with a phenotype highly consistent with the associated gene (PMID: 15146476). Functional studies show that this variant may disrupt protein function (PMID: 16503651). Given the available evidence, this variant is classified as Likely Pathogenic.

Fulgent Genetics
Classification: Likely pathogenic for Sialuria; GNE myopathy; Thrombocytopenia 12 with or without myopathy. Last evaluated: 2024-06-13. Review status: criteria provided, single submitter. Criteria: ACMG Guidelines, 2015. Collection method: clinical testing. Allele origin: germline.

Women's Health and Genetics/Laboratory Corporation of America, LabCorp
Classification: Likely pathogenic for GNE myopathy. Last evaluated: 2024-06-12. Review status: criteria provided, single submitter. Criteria: LabCorp Variant Classification Summary - May 2015. Collection method: clinical testing. Allele origin: germline.
Comment: Variant summary: GNE c.1649A>G (p.Asn550Ser) results in a conservative amino acid change in the encoded protein sequence. Three of five in-silico tools predict a benign effect of the variant on protein function. The variant was absent in 251494 control chromosomes. c.1649A>G has been reported in the literature in two homozygous individuals affected with Inclusion Body Myopathy 2 (Broccolini_2006, Tasca_2012) and in 1 compound heterozygous individual with autosomal recessive macrothrombocytopenia without associated muscle wasting at an young age (Revel-Vilk_2018). These data indicate that the variant is likely to be associated with disease. At least one publication reports experimental evidence evaluating an impact on protein function. The most pronounced variant effect results in 40% of normal UDP-GlcNAc 2-epimerase activity activity and 20% of normal ManNAc kinase activity using purified protein (Penner_2006). The following publications have been ascertained in the context of this evaluation (PMID: 30171045, 15146476, 16503651, 22231866). ClinVar contains an entry for this variant (Variation ID: 556674). Based on the evidence outlined above, the variant was classified as likely pathogenic.

Revvity Omics, Revvity
Classification: Pathogenic. Last evaluated: 2022-06-27. Review status: criteria provided, single submitter. Criteria: ACMG Guidelines, 2015. Collection method: clinical testing. Allele origin: germline.

Counsyl
Classification: Likely pathogenic for GNE myopathy. Last evaluated: 2018-02-13. Review status: no assertion criteria provided. Collection method: clinical testing. Allele origin: unknown. Not counted in ClinVar's aggregate classification.

Literature cited by the submitters: PubMed 15146476 (cited by 3 submitters); PubMed 25978849 (cited by Natera, Inc. and Counsyl); PubMed 16503651 (cited by 3 submitters); PubMed 22231866 (cited by Women's Health and Genetics/Laboratory Corporation of America, LabCorp); PubMed 30171045 (cited by Women's Health and Genetics/Laboratory Corporation of America, LabCorp).